The following is an entry in ClinVar:

ClinVar aggregate classification (germline): Pathogenic/Likely pathogenic. Review status: criteria provided, multiple submitters, no conflicts (2 of 4 stars). 4 submissions from 4 submitters: Pathogenic (2); Likely pathogenic (2). Last evaluated 2025-04-01.

Conditions:
Citrullinemia type I (CTNL1). Also called: argininosuccinate synthetase deficiency; ASS DEFICIENCY. Identifiers: Orphanet 247525, MedGen C4721769, MONDO:0008988, OMIM 215700.
Citrullinemia. Identifiers: Orphanet 187, MedGen C0175683, MONDO:0015991.

Allele frequency attached by ClinVar (database versions not stated): gnomAD exomes below 0.00001.
gnomAD v4.1: 6 of 1,613,384 alleles (0.00037%); highest among the groups gnomAD compares: Admixed American, 0.0017%; no homozygotes.

Submissions (4):

Labcorp Genetics (formerly Invitae), Labcorp
Classification: Pathogenic for Citrullinemia. Last evaluated: 2025-04-01. Review status: criteria provided, single submitter. Criteria: Invitae Variant Classification Sherloc (09022015). Collection method: clinical testing. Allele origin: germline.
Comment: This sequence change replaces glycine, which is neutral and non-polar, with valine, which is neutral and non-polar, at codon 324 of the ASS1 protein (p.Gly324Val). This variant is not present in population databases (gnomAD no frequency). This missense change has been observed in individual(s) with clinical features of citrullinemia (PMID: 25433810, 28111830, 31469252; internal data). ClinVar contains an entry for this variant (Variation ID: 458676). An algorithm developed to predict the effect of missense changes on protein structure and function (PolyPhen-2) suggests that this variant is likely to be disruptive. For these reasons, this variant has been classified as Pathogenic.

Natera, Inc.
Classification: Likely pathogenic for Citrullinemia type I. Last evaluated: 2025-03-31. Review status: criteria provided, single submitter. Criteria: Natera Variant Classification Schema (03/2026). Collection method: clinical testing. Allele origin: germline.
Comment: The c.971G>T variant in ASS1 is a missense variant predicted to cause substitution of glycine to valine at amino acid 324. This variant is rare in the general population with a frequency below the threshold expected for the associated phenotype(s). This variant has been observed in one or more individuals affected with the associated recessive disease, as either homozygous or compound heterozygous with a second variant (PMID: 31469252, 25433810, 28111830). A different variant at the same position has been determined to be Pathogenic or Likely Pathogenic. Computational prediction algorithms indicate this variant is likely to affect gene or protein function. Given the available evidence, this variant is classified as Likely Pathogenic.

Women's Health and Genetics/Laboratory Corporation of America, LabCorp
Classification: Likely pathogenic for Citrullinemia. Last evaluated: 2024-06-24. Review status: criteria provided, single submitter. Criteria: LabCorp Variant Classification Summary - May 2015. Collection method: clinical testing. Allele origin: germline.
Comment: Variant summary: ASS1 c.971G>T (p.Gly324Val) results in a non-conservative amino acid change in the encoded protein sequence. Five of five in-silico tools predict a damaging effect of the variant on protein function. Several computational tools predict a significant impact on normal splicing: Two predict the variant weakens a 3' acceptor site. Two predict the variant strengthens a cryptic 3' acceptor site. However, these predictions have yet to be confirmed by functional studies. The variant was absent in 251114 control chromosomes (gnomAD). c.971G>T has been reported in the literature as a biallelic compound heterozygous genotype in individuals affected with Citrullinemia Type I (example: Martin-Hernandez_2014, Pangalos_2016, Diez-Fernandez_2017, Zielonka_2019). These data indicate that the variant is likely to be associated with disease. To our knowledge, no variant specific experimental evidence demonstrating an impact on protein function has been reported, although compound heterozygous genotypes with decreased ASS1 enzyme activity have been reported (example, Zielonka_2019). The following publications have been ascertained in the context of this evaluation (PMID: 25433810, 28111830, 31469252, 27168972). ClinVar contains an entry for this variant (Variation ID: 458676). Based on the evidence outlined above, the variant was classified as likely pathogenic.

Baylor Genetics
Classification: Pathogenic for Citrullinemia type I. Last evaluated: 2023-08-28. Review status: criteria provided, single submitter. Criteria: ACMG Guidelines, 2015. Collection method: clinical testing. Allele origin: unknown.

Literature cited by the submitters: PubMed 25433810 (cited by 3 submitters); PubMed 28111830 (cited by 3 submitters); PubMed 31469252 (cited by 3 submitters); PubMed 27168972 (cited by Women's Health and Genetics/Laboratory Corporation of America, LabCorp).

NM_054012.4(ASS1):c.971G>T (p.Gly324Val)

Gene: ASS1 (argininosuccinate synthase 1; plus strand). Cytogenetic location: 9q34.11.
Variant type: single nucleotide variant.
Coding change: c.971G>T on transcript NM_054012.4 (MANE Select); coding-DNA position 971, G replaced by T.
Protein change: p.Gly324Val; replaces glycine 324 with valine.
Molecular consequence: missense variant.
Genome position (GRCh38, 1-based): chr9:130,494,867, G>T. VCF-style: chr9-130494867-G-T. GRCh37 (hg19) VCF-style: chr9-133370254-G-T.
Other names: c.971G>T, p.Gly324Val (NM_000050.4); short protein forms G324V.
Identifiers: ClinVar variation 458676 (VCV000458676.12), dbSNP rs1554725034, ClinGen allele CA375231775.